The following is an entry in ClinVar:

NM_000465.4(BARD1):c.1931T>G (p.Val644Gly)

Gene: BARD1 (BRCA1 associated RING domain 1; minus strand). Cytogenetic location: 2q35.
Variant type: single nucleotide variant.
Coding change: c.1931T>G on transcript NM_000465.4 (MANE Select); coding-DNA position 1931, T replaced by G.
Protein change: p.Val644Gly; replaces valine 644 with glycine.
Molecular consequence: missense variant. On other transcripts: non-coding transcript variant (3).
Genome position (GRCh38, 1-based): chr2:214,730,481, A>C on the plus strand (T>G on the coding strand, the complement: BARD1 is on the minus strand). VCF-style: chr2-214730481-A-C. GRCh37 (hg19) VCF-style: chr2-215595205-A-C.
Other names: c.1874T>G, p.Val625Gly (NM_001282543.2); c.578T>G, p.Val193Gly (NM_001282545.2); c.521T>G, p.Val174Gly (NM_001282548.2); c.392T>G, p.Val131Gly (NM_001282549.2); short protein forms V131G, V644G, V174G, V193G, V625G.
Identifiers: ClinVar variation 641247 (VCV000641247.9), dbSNP rs1574707186, ClinGen allele CA350451245.
Genomic context (GRCh38, chr2:214,730,481, plus strand): 5'-CTGTTGAGCCTGCTTCTGCGTGGACCTTCAGGAATTTCATACTTTTCTTCCTGTTCACAT[A>C]CTTTTCTTCGTAGACATGCTTTTACCCCTGACAAAAACACAAGAATTAAAGCAAACTAAG-3'
Protein context (NP_000456.2, residues 634-654): EWVKACLRRK[Val644Gly]CEQEEKYEIP

ClinVar aggregate classification (germline): Uncertain significance (1 of 4 stars; one submission).

Conditions:
Familial cancer of breast. Also called: BREAST CANCER, FAMILIAL; hereditary breast carcinoma; Hereditary breast cancer. Identifiers: Orphanet 227535, MedGen C0346153, MONDO:0016419, OMIM 114480. Disease mechanism: loss of function.

Submission:

Labcorp Genetics (formerly Invitae), Labcorp
Classification: Uncertain significance for Familial cancer of breast. Last evaluated: 2018-11-08. Review status: criteria provided, single submitter. Criteria: Invitae Variant Classification Sherloc (09022015). Collection method: clinical testing. Allele origin: germline.
Comment: In summary, the available evidence is currently insufficient to determine the role of this variant in disease. Therefore, it has been classified as a Variant of Uncertain Significance. Algorithms developed to predict the effect of missense changes on protein structure and function (SIFT, PolyPhen-2, Align-GVGD) all suggest that this variant is likely to be tolerated, but these predictions have not been confirmed by published functional studies and their clinical significance is uncertain. This variant has not been reported in the literature in individuals with BARD1-related disease. This variant is not present in population databases (ExAC no frequency). This sequence change replaces valine with glycine at codon 644 of the BARD1 protein (p.Val644Gly). The valine residue is moderately conserved and there is a moderate physicochemical difference between valine and glycine.